The following is an entry in ClinVar:

ClinVar aggregate classification (germline): Uncertain significance (1 of 4 stars; one submission).

Submission:

GeneDx
Classification: Uncertain significance. Last evaluated: 2026-01-26. Review status: criteria provided, single submitter. Criteria: GeneDx Variant Classification Process June 2021. Collection method: clinical testing. Allele origin: germline.
Comment: Not observed at significant frequency in large population cohorts (gnomAD); In silico analysis suggests that this missense variant does not alter protein structure/function; Has not been previously published as pathogenic or benign to our knowledge

NM_145199.3(LIPT1):c.926T>C (p.Ile309Thr)

Genes: LIPT1 (lipoyltransferase 1; plus strand), MITD1 (microtubule interacting and trafficking domain containing 1; minus strand). Cytogenetic location: 2q11.2.
Variant type: single nucleotide variant.
Coding change: c.926T>C on transcript NM_145199.3 (MANE Select); coding-DNA position 926, T replaced by C.
Protein change: p.Ile309Thr; replaces isoleucine 309 with threonine.
Molecular consequence: missense variant. On other transcripts: non-coding transcript variant (2).
Genome position (GRCh38, 1-based): chr2:99,162,883, T>C. VCF-style: chr2-99162883-T-C. GRCh37 (hg19) VCF-style: chr2-99779346-T-C.
Other names: c.926T>C, p.Ile309Thr (NM_001204830.2, NM_015929.4, NM_145197.3 and 1 more transcripts); short protein forms I309T.
Identifiers: ClinVar variation 4975350 (VCV004975350.1).